The following is an entry in ClinVar:

ClinVar aggregate classification (germline): Uncertain significance (1 of 4 stars; one submission).

Submission:

GeneDx
Classification: Uncertain significance. Last evaluated: 2024-11-27. Review status: criteria provided, single submitter. Criteria: GeneDx Variant Classification Process June 2021. Collection method: clinical testing. Allele origin: germline. Affected: yes.
Comment: Not observed at significant frequency in large population cohorts (gnomAD); In silico analysis indicates that this missense variant does not alter protein structure/function; Has not been previously published as pathogenic or benign to our knowledge

NM_001395002.1(MAP4K4):c.1752G>T (p.Gln584His)

Gene: MAP4K4 (mitogen-activated protein kinase kinase kinase kinase 4; plus strand). Cytogenetic location: 2q11.2.
Variant type: single nucleotide variant.
Coding change: c.1752G>T on transcript NM_001395002.1 (MANE Select); coding-DNA position 1752, G replaced by T.
Protein change: p.Gln584His; replaces glutamine 584 with histidine.
Molecular consequence: missense variant. On other transcripts: intron variant (34).
Genome position (GRCh38, 1-based): chr2:101,860,872, G>T. VCF-style: chr2-101860872-G-T. GRCh37 (hg19) VCF-style: chr2-102477334-G-T.
Other names: c.1752G>T, p.Gln584His (NM_001242559.2, NM_001384481.1, NM_001384486.1 and 4 more transcripts); c.1659G>T, p.Gln553His (NM_001384492.1, NM_001384520.1, NM_001384543.1 and 2 more transcripts); c.1632G>T, p.Gln544His (NM_001384551.1, NM_001384557.1, NM_001384564.1); c.1725G>T, p.Gln575His (NM_001384579.1); c.1704+1008G>T (NM_001384493.1, NM_001384485.1, NM_001384484.1 and 7 more transcripts); c.1611+1008G>T (NM_001242560.2, NM_001384487.1, NM_001384491.1 and 5 more transcripts); c.1617+1008G>T (NM_001384548.1); c.1677+1008G>T (NM_001384555.1, NM_001384572.1, NM_001384552.1 and 5 more transcripts); and 2 more; short protein forms Q544H, Q553H, Q575H, Q584H.
Identifiers: ClinVar variation 3373551 (VCV003373551.2).
Genomic context (GRCh38, chr2:101,860,872, plus strand): 5'-TTCTCTGATGCAGGTGGAAGATAGATTTAGGAAAACTAACCACAGCTCCCCTGAAGCCCA[G>T]TCTAAGCAGACAGGCAGAGTATTGGAGCCACCAGTGCCTTCCCGATCAGAGTCTTTTTCC-3'
Protein context (NP_001381931.1, residues 574-594): RKTNHSSPEA[Gln584His]SKQTGRVLEP